The following is an entry in ClinVar:

NM_000213.5(ITGB4):c.5219-15A>G

Genes: GALK1 (galactokinase 1; minus strand), ITGB4 (integrin subunit beta 4; plus strand). Cytogenetic location: 17q25.1.
Variant type: single nucleotide variant.
Coding change: c.5219-15A>G on transcript NM_000213.5 (MANE Select); 15 bases into the intron before coding-DNA position 5219, A replaced by G.
Molecular consequence: intron variant.
Genome position (GRCh38, 1-based): chr17:75,757,185, A>G. VCF-style: chr17-75757185-A-G. GRCh37 (hg19) VCF-style: chr17-73753266-A-G.
Other names: c.5168-15A>G (NM_001005619.2); c.5009-15A>G (NM_001005731.3, NM_001321123.2); c.4859-15A>G (NM_001438834.1); c.*22+849T>C (NM_001381985.1).
Identifiers: ClinVar variation 325214 (VCV000325214.35), dbSNP rs142184100, ClinGen allele CA8770516.

ClinVar aggregate classification (germline): Benign/Likely benign. Review status: criteria provided, multiple submitters, no conflicts (2 of 4 stars). 2 submissions from 2 submitters: Benign (1); Likely benign (1). Last evaluated 2026-06-01.

Allele frequency attached by ClinVar (database versions not stated): 1000 Genomes Project 0.00120; ESP Exome Variant Server 0.00515; TOPMed 0.00533; 1000 Genomes Project 30x 0.00109.
gnomAD v4.1: 11,270 of 1,611,368 alleles (0.7%); highest among the groups gnomAD compares: Non-Finnish European, 0.89%; 61 homozygotes.

Submissions (2):

CeGaT Center for Human Genetics Tuebingen
Classification: Likely benign. Last evaluated: 2026-06-01. Review status: criteria provided, single submitter. Criteria: CeGaT Center For Human Genetics Tuebingen Variant Classification Criteria Version 2. Collection method: clinical testing. Allele origin: germline. Affected: yes. Observed: 9 variant alleles.
Comment: GALK1: BS2; ITGB4: BS2

Labcorp Genetics (formerly Invitae), Labcorp
Classification: Benign. Last evaluated: 2026-02-01. Review status: criteria provided, single submitter. Criteria: Invitae Variant Classification Sherloc (09022015). Collection method: clinical testing. Allele origin: germline.